The following is an entry in ClinVar:

ClinVar aggregate classification (germline): Uncertain significance (1 of 4 stars; one submission).

Conditions:
Joubert syndrome 21 (JBTS21). Identifiers: MedGen C3810212, MONDO:0014288, OMIM 615636.

Allele frequency attached by ClinVar (database versions not stated): gnomAD exomes 0.00001.
gnomAD v4.1: 17 of 1,599,914 alleles (0.0011%); highest among the groups gnomAD compares: Non-Finnish European, 0.0013%; no homozygotes.

Submission:

Labcorp Genetics (formerly Invitae), Labcorp
Classification: Uncertain significance for Joubert syndrome 21. Last evaluated: 2022-07-29. Review status: criteria provided, single submitter. Criteria: Invitae Variant Classification Sherloc (09022015). Collection method: clinical testing. Allele origin: germline.
Comment: In summary, the available evidence is currently insufficient to determine the role of this variant in disease. Therefore, it has been classified as a Variant of Uncertain Significance. Algorithms developed to predict the effect of missense changes on protein structure and function are either unavailable or do not agree on the potential impact of this missense change (SIFT: "Deleterious"; PolyPhen-2: "Probably Damaging"; Align-GVGD: "Class C0"). This variant has not been reported in the literature in individuals affected with CSPP1-related conditions. This variant is not present in population databases (gnomAD no frequency). This sequence change replaces proline, which is neutral and non-polar, with serine, which is neutral and polar, at codon 93 of the CSPP1 protein (p.Pro93Ser).

NM_001382391.1(CSPP1):c.169C>T (p.Pro57Ser)

Gene: CSPP1 (centrosome and spindle pole associated protein 1; plus strand). Cytogenetic location: 8q13.1.
Variant type: single nucleotide variant.
Coding change: c.169C>T on transcript NM_001382391.1 (MANE Select); coding-DNA position 169, C replaced by T.
Protein change: p.Pro57Ser; replaces proline 57 with serine.
Molecular consequence: missense variant.
Genome position (GRCh38, 1-based): chr8:67,076,551, C>T. VCF-style: chr8-67076551-C-T. GRCh37 (hg19) VCF-style: chr8-67988786-C-T.
Other names: c.169C>T, p.Pro57Ser (NM_001363131.2, NM_001363132.2, NM_001363133.2); c.277C>T, p.Pro93Ser (NM_001364869.1, NM_001364870.1, NM_024790.7); short protein forms P57S, P93S.
Identifiers: ClinVar variation 2156564 (VCV002156564.4), dbSNP rs1807958428, ClinGen allele CA371212331.
Genomic context (GRCh38, chr8:67,076,551, plus strand): 5'-TCAGCGAAGCTTTCTGAAAACAGTAAGATACTGATCTCTATGGCTAAGGAAAACATACCA[C>T]CAAATAGTCAACAGACCAGGGGTTCCTTAGGTATGTCATTAGATGTGCTAAACTTATTTT-3'
Protein context (NP_001369320.1, residues 47-67): LISMAKENIP[Pro57Ser]NSQQTRGSLG